The following is an entry in ClinVar:

ClinVar aggregate classification (germline): Pathogenic (1 of 4 stars; one submission).

Conditions:
Ataxia-telangiectasia syndrome (AT). Also called: Ataxia-telangiectasia, complementation group D; AT, COMPLEMENTATION GROUP C; ATAXIA-TELANGIECTASIA, COMPLEMENTATION GROUP A; ATAXIA-TELANGIECTASIA, FRESNO VARIANT; Ataxia-telangiectasia; LOUIS-BAR SYNDROME. Identifiers: Orphanet 100, MedGen C0004135, MONDO:0008840, OMIM 208900.

Submission:

Labcorp Genetics (formerly Invitae), Labcorp
Classification: Pathogenic for Ataxia-telangiectasia syndrome. Last evaluated: 2022-11-15. Review status: criteria provided, single submitter. Criteria: Invitae Variant Classification Sherloc (09022015). Collection method: clinical testing. Allele origin: germline.
Comment: Algorithms developed to predict the effect of sequence changes on RNA splicing suggest that this variant may disrupt the consensus splice site. For these reasons, this variant has been classified as Pathogenic. ClinVar contains an entry for this variant (Variation ID: 646046). This variant is also known as IVS56-2A>C. Disruption of this splice site has been observed in individual(s) with ataxia-telangiectasia (Invitae). In at least one individual the data is consistent with being in trans (on the opposite chromosome) from a pathogenic variant. This variant is not present in population databases (gnomAD no frequency). This sequence change affects an acceptor splice site in intron 54 of the ATM gene. It is expected to disrupt RNA splicing. Variants that disrupt the donor or acceptor splice site typically lead to a loss of protein function (PMID: 16199547), and loss-of-function variants in ATM are known to be pathogenic (PMID: 23807571, 25614872).

Literature cited by the submitters: PubMed 16199547; PubMed 23807571; PubMed 25614872.

NM_000051.4(ATM):c.8011-2A>C

Genes: ATM (ATM serine/threonine kinase; plus strand), C11orf65 (chromosome 11 open reading frame 65; minus strand). Cytogenetic location: 11q22.3.
Variant type: single nucleotide variant.
Coding change: c.8011-2A>C on transcript NM_000051.4 (MANE Select); the canonical splice acceptor site of the intron before coding-DNA position 8011, A replaced by C.
Molecular consequence: splice acceptor variant. On other transcripts: intron variant (2).
Genome position (GRCh38, 1-based): chr11:108,334,967, A>C. VCF-style: chr11-108334967-A-C. GRCh37 (hg19) VCF-style: chr11-108205694-A-C.
Other names: c.8011-2A>C (NM_001351834.2); c.641-25896T>G (NM_001330368.2); c.*38+253T>G (NM_001351110.2).
Identifiers: ClinVar variation 646046 (VCV000646046.9), dbSNP rs1591190908, ClinGen allele CA382561828.
Genomic context (GRCh38, chr11:108,334,967, plus strand): 5'-TTTTTCTTTAAGTGCAAATAGTGTATCTGACCTATTATCAATCATGTTTATACTTTTATT[A>C]GGTGGACCACACAGGAGAATATGGAAATCTGGTGACTATACAGTCATTTAAAGCAGAATT-3'